The following is an entry in ClinVar:

NM_005188.4(CBL):c.453A>C (p.Leu151=)

Gene: CBL (Cbl proto-oncogene; plus strand). Cytogenetic location: 11q23.3.
Variant type: single nucleotide variant.
Coding change: c.453A>C on transcript NM_005188.4 (MANE Select); coding-DNA position 453, A replaced by C.
Protein change: p.Leu151=; no amino-acid change (leucine 151 retained).
Molecular consequence: synonymous variant.
Genome position (GRCh38, 1-based): chr11:119,271,744, A>C. VCF-style: chr11-119271744-A-C. GRCh37 (hg19) VCF-style: chr11-119142454-A-C.
Identifiers: ClinVar variation 2849572 (VCV002849572.3), dbSNP rs2496927284, ClinGen allele CA477126856.

ClinVar aggregate classification (germline): Uncertain significance (1 of 4 stars; one submission).

Conditions:
RASopathy. Also called: Noonan spectrum disorder; rasopathies. Identifiers: Orphanet 536391, MedGen C5555857, MONDO:0021060.

Submission:

Labcorp Genetics (formerly Invitae), Labcorp
Classification: Uncertain significance for RASopathy. Last evaluated: 2023-03-26. Review status: criteria provided, single submitter. Criteria: Invitae Variant Classification Sherloc (09022015). Collection method: clinical testing. Allele origin: germline.
Comment: In summary, the available evidence is currently insufficient to determine the role of this variant in disease. Therefore, it has been classified as a Variant of Uncertain Significance. Algorithms developed to predict the effect of sequence changes on RNA splicing suggest that this variant may disrupt the consensus splice site. This variant has not been reported in the literature in individuals affected with CBL-related conditions. This variant is not present in population databases (gnomAD no frequency). This sequence change affects codon 151 of the CBL mRNA. It is a 'silent' change, meaning that it does not change the encoded amino acid sequence of the CBL protein.